The following is an entry in ClinVar:

NM_001378120.1(MBD5):c.370G>A (p.Val124Met)

Gene: MBD5 (methyl-CpG binding domain protein 5; plus strand). Cytogenetic location: 2q23.1.
Variant type: single nucleotide variant.
Coding change: c.370G>A on transcript NM_001378120.1 (MANE Select); coding-DNA position 370, G replaced by A.
Protein change: p.Val124Met; replaces valine 124 with methionine.
Molecular consequence: missense variant.
Genome position (GRCh38, 1-based): chr2:148,463,892, G>A. VCF-style: chr2-148463892-G-A. GRCh37 (hg19) VCF-style: chr2-149221461-G-A.
Other names: c.370G>A, p.Val124Met (NM_001438854.1, NM_001438855.1, NM_001438856.1 and 7 more transcripts); short protein forms V124M.
Identifiers: ClinVar variation 4795655 (VCV004795655.1).

ClinVar aggregate classification (germline): Uncertain significance (1 of 4 stars; one submission).

Submission:

GeneDx
Classification: Uncertain significance. Last evaluated: 2025-08-12. Review status: criteria provided, single submitter. Criteria: GeneDx Variant Classification Process June 2021. Collection method: clinical testing. Allele origin: germline. Affected: yes.
Comment: Not observed at significant frequency in large population cohorts (gnomAD); In silico analysis suggests that this missense variant does not alter protein structure/function; Has not been previously published as pathogenic or benign to our knowledge